The following is an entry in ClinVar:

ClinVar aggregate classification (germline): Uncertain significance (1 of 4 stars; one submission).

Submission:

Labcorp Genetics (formerly Invitae), Labcorp
Classification: Uncertain significance. Last evaluated: 2025-05-26. Review status: criteria provided, single submitter. Criteria: Invitae Variant Classification Sherloc (09022015). Collection method: clinical testing. Allele origin: germline.
Comment: This sequence change replaces glutamine, which is neutral and polar, with histidine, which is basic and polar, at codon 109 of the ANK1 protein (p.Gln109His). This variant also falls at the last nucleotide of exon 4, which is part of the consensus splice site for this exon. This variant is not present in population databases (gnomAD no frequency). This variant has not been reported in the literature in individuals affected with ANK1-related conditions. An algorithm developed to predict the effect of missense changes on protein structure and function (PolyPhen-2) suggests that this variant is likely to be disruptive. Variants that disrupt the consensus splice site are a relatively common cause of aberrant splicing (PMID: 17576681, 9536098). Algorithms developed to predict the effect of sequence changes on RNA splicing suggest that this variant may disrupt the consensus splice site. In summary, the available evidence is currently insufficient to determine the role of this variant in disease. Therefore, it has been classified as a Variant of Uncertain Significance.

Literature cited by the submitters: PubMed 17576681; PubMed 9536098.

NM_000037.4(ANK1):c.327G>T (p.Gln109His)

Gene: ANK1 (ankyrin 1; minus strand). Cytogenetic location: 8p11.21.
Variant type: single nucleotide variant.
Coding change: c.327G>T on transcript NM_000037.4 (MANE Select); coding-DNA position 327, G replaced by T.
Protein change: p.Gln109His; replaces glutamine 109 with histidine.
Molecular consequence: missense variant.
Genome position (GRCh38, 1-based): chr8:41,727,908, C>A on the plus strand (G>T on the coding strand, the complement: ANK1 is on the minus strand). VCF-style: chr8-41727908-C-A. GRCh37 (hg19) VCF-style: chr8-41585426-C-A.
Other names: c.426G>T, p.Gln142His (NM_001142446.2); c.327G>T, p.Gln109His (NM_020475.3, NM_020476.3, NM_020477.3); short protein forms Q109H, Q142H.
Identifiers: ClinVar variation 4720280 (VCV004720280.1).